The following is an entry in ClinVar:

NM_003384.3(VRK1):c.500del (p.Tyr167fs)

Gene: VRK1 (VRK serine/threonine kinase 1; plus strand). Cytogenetic location: 14q32.2.
Variant type: Deletion.
Coding change: c.500del on transcript NM_003384.3 (MANE Select); coding-DNA position 500, one base deleted (A; older notation c.500delA).
Protein change: p.Tyr167fs; shifts the reading frame from tyrosine 167.
Molecular consequence: frameshift variant.
Genome position (GRCh38, 1-based): chr14:96,853,090, A deleted. VCF-style (leftmost placement, unchanged base first): chr14-96853089-TA-T. GRCh37 (hg19) VCF-style: chr14-97319426-TA-T.
Other names: c.500delA, p.Tyr167Leufs (NM_001411051.1, NM_001411053.1); short protein forms Y167fs.
Identifiers: ClinVar variation 2039561 (VCV002039561.4), dbSNP rs2504185145, ClinGen allele CA2580089042.

ClinVar aggregate classification (germline): Pathogenic (1 of 4 stars; one submission).

Conditions:
Pontocerebellar hypoplasia type 1A (PCH1A). Also called: PONTOCEREBELLAR HYPOPLASIA WITH ANTERIOR HORN CELL DISEASE; PONTOCEREBELLAR HYPOPLASIA WITH INFANTILE SPINAL MUSCULAR ATROPHY. Identifiers: Orphanet 2254, Orphanet 88616, MedGen C1843504, MONDO:0011866, OMIM 607596.

Submission:

Labcorp Genetics (formerly Invitae), Labcorp
Classification: Pathogenic for Pontocerebellar hypoplasia type 1A. Last evaluated: 2021-12-11. Review status: criteria provided, single submitter. Criteria: Invitae Variant Classification Sherloc (09022015). Collection method: clinical testing. Allele origin: germline.
Comment: For these reasons, this variant has been classified as Pathogenic. This variant has not been reported in the literature in individuals affected with VRK1-related conditions. This variant is not present in population databases (gnomAD no frequency). This sequence change creates a premature translational stop signal (p.Tyr167Leufs*19) in the VRK1 gene. It is expected to result in an absent or disrupted protein product. Loss-of-function variants in VRK1 are known to be pathogenic (PMID: 19646678, 24126608, 27281532).

Literature cited by the submitters: PubMed 19646678; PubMed 24126608; PubMed 27281532.